The following is an entry in ClinVar:

NM_194248.3(OTOF):c.3864G>A (p.Ala1288=)

Gene: OTOF (otoferlin; minus strand). Cytogenetic location: 2p23.3.
Variant type: single nucleotide variant.
Coding change: c.3864G>A on transcript NM_194248.3 (MANE Select); coding-DNA position 3864, G replaced by A.
Protein change: p.Ala1288=; no amino-acid change (alanine 1288 retained).
Molecular consequence: synonymous variant.
Genome position (GRCh38, 1-based): chr2:26,472,519, C>T on the plus strand (G>A on the coding strand, the complement: OTOF is on the minus strand). VCF-style: chr2-26472519-C-T. GRCh37 (hg19) VCF-style: chr2-26695387-C-T.
Other names: c.3864G>A, p.Ala1288= (NM_001287489.2); c.1563G>A, p.Ala521= (NM_004802.4, NM_194323.3); c.1794G>A, p.Ala598= (NM_194322.3).
Identifiers: ClinVar variation 3607497 (VCV003607497.3).

ClinVar aggregate classification (germline): Conflicting classifications of pathogenicity. Review status: criteria provided, conflicting classifications (1 of 4 stars). 2 submissions from 2 submitters: Likely pathogenic (1); Uncertain significance (1). Last evaluated 2025-02-19.

Conditions:
OTOF-related disorder. Also called: OTOF-related condition.

gnomAD v4.1: 9 of 1,613,394 alleles (0.00056%); highest among the groups gnomAD compares: East Asian, 0.0022%; no homozygotes.

Submissions (2):

Labcorp Genetics (formerly Invitae), Labcorp
Classification: Uncertain significance. Last evaluated: 2025-02-19. Review status: criteria provided, single submitter. Criteria: Invitae Variant Classification Sherloc (09022015). Collection method: clinical testing. Allele origin: germline.
Comment: This sequence change affects codon 1288 of the OTOF mRNA. It is a 'silent' change, meaning that it does not change the encoded amino acid sequence of the OTOF protein. This variant also falls at the last nucleotide of exon 30, which is part of the consensus splice site for this exon. This variant is not present in population databases (gnomAD no frequency). This variant has been observed in individual(s) with auditory neuropathy (PMID: 35884828; internal data). In at least one individual the data is consistent with being in trans (on the opposite chromosome) from a pathogenic variant. Variants that disrupt the consensus splice site are a relatively common cause of aberrant splicing (PMID: 17576681, 9536098). Algorithms developed to predict the effect of sequence changes on RNA splicing suggest that this variant may disrupt the consensus splice site. In summary, the available evidence is currently insufficient to determine the role of this variant in disease. Therefore, it has been classified as a Variant of Uncertain Significance.

Blueprint Genetics
Classification: Likely pathogenic for OTOF-related disorders. Last evaluated: 2024-05-22. Review status: criteria provided, single submitter. Criteria: ACMG Guidelines, 2015. Collection method: clinical testing. Allele origin: germline. Affected: yes. Observed: 5 variant alleles.

Literature cited by the submitters: PubMed 35884828 (cited by Labcorp Genetics (formerly Invitae), Labcorp); PubMed 17576681 (cited by Labcorp Genetics (formerly Invitae), Labcorp); PubMed 9536098 (cited by Labcorp Genetics (formerly Invitae), Labcorp).